The following is an entry in ClinVar:

ClinVar aggregate classification (germline): Uncertain significance. Review status: criteria provided, multiple submitters, no conflicts (2 of 4 stars). 3 submissions from 3 submitters: Uncertain significance (3). Last evaluated 2024-02-20.

Conditions:
Acrocallosal syndrome (ACLS). Also called: Schinzel syndrome 1; Absence of corpus callosum with unusual facial appearance, mental deficiency, duplication of the halluces and polydactyly; HALLUX DUPLICATION, POSTAXIAL POLYDACTYLY, AND ABSENCE OF CORPUS CALLOSUM. Identifiers: Orphanet 36, MedGen C0796147, MONDO:0008708, OMIM 200990.
Hydrolethalus syndrome 2 (HLS2). Identifiers: Orphanet 2189, MedGen C3279899, MONDO:0013585, OMIM 614120.
Multiple epiphyseal dysplasia, Al-Gazali type. Also called: Macrocephaly with multiple epiphyseal dysplasia and distinctive facies. Identifiers: Orphanet 166024, MedGen C1846722, MONDO:0011778, OMIM 607131.

Allele frequency attached by ClinVar (database versions not stated): ExAC 0.00001; gnomAD 0.00003; TOPMed 0.00003; gnomAD exomes 0.00005; ESP Exome Variant Server 0.00008; 1000 Genomes Project 30x 0.00016.
gnomAD v4.1: 78 of 1,614,114 alleles (0.0048%); highest among the groups gnomAD compares: Non-Finnish European, 0.0061%; no homozygotes.

Submissions (3):

Fulgent Genetics
Classification: Uncertain significance for Acrocallosal syndrome; Multiple epiphyseal dysplasia, Al-Gazali type; Hydrolethalus syndrome 2. Last evaluated: 2024-02-20. Review status: criteria provided, single submitter. Criteria: ACMG Guidelines, 2015. Collection method: clinical testing. Allele origin: germline.

Blueprint Genetics
Classification: Uncertain significance. Last evaluated: 2024-01-05. Review status: criteria provided, single submitter. Criteria: ACMG Guidelines, 2015. Collection method: clinical testing. Allele origin: germline.

Labcorp Genetics (formerly Invitae), Labcorp
Classification: Uncertain significance for Acrocallosal syndrome. Last evaluated: 2022-07-19. Review status: criteria provided, single submitter. Criteria: Invitae Variant Classification Sherloc (09022015). Collection method: clinical testing. Allele origin: germline.
Comment: This sequence change replaces alanine, which is neutral and non-polar, with threonine, which is neutral and polar, at codon 573 of the KIF7 protein (p.Ala573Thr). This variant is present in population databases (rs369321011, gnomAD 0.01%). This variant has not been reported in the literature in individuals affected with KIF7-related conditions. Algorithms developed to predict the effect of missense changes on protein structure and function output the following: SIFT: "Tolerated"; PolyPhen-2: "Benign"; Align-GVGD: "Class C0". The threonine amino acid residue is found in multiple mammalian species, which suggests that this missense change does not adversely affect protein function. In summary, the available evidence is currently insufficient to determine the role of this variant in disease. Therefore, it has been classified as a Variant of Uncertain Significance.

NM_198525.3(KIF7):c.1717G>A (p.Ala573Thr)

Gene: KIF7 (kinesin family member 7; minus strand). Cytogenetic location: 15q26.1.
Variant type: single nucleotide variant.
Coding change: c.1717G>A on transcript NM_198525.3 (MANE Select); coding-DNA position 1717, G replaced by A.
Protein change: p.Ala573Thr; replaces alanine 573 with threonine.
Molecular consequence: missense variant.
Genome position (GRCh38, 1-based): chr15:89,646,901, C>T on the plus strand (G>A on the coding strand, the complement: KIF7 is on the minus strand). VCF-style: chr15-89646901-C-T. GRCh37 (hg19) VCF-style: chr15-90190132-C-T.
Other names: short protein forms A573T.
Identifiers: ClinVar variation 2165110 (VCV002165110.3), dbSNP rs369321011, ClinGen allele CA7728476.